The following is an entry in ClinVar:

ClinVar aggregate classification (germline): Uncertain significance (1 of 4 stars; one submission).

Conditions:
Hyper-IgM syndrome type 1. Also called: Hyper-IgM Immunodeficiency Syndrome, Type 1; CD40 Ligand Deficiency; X-linked hyper-IgM syndrome; Immunodeficiency, X-linked, with hyper-IgM. Identifiers: Orphanet 101088, MedGen C0398689, MONDO:0010626, OMIM 308230.

Submission:

Labcorp Genetics (formerly Invitae), Labcorp
Classification: Uncertain significance for Hyper-IgM syndrome type 1. Last evaluated: 2022-07-06. Review status: criteria provided, single submitter. Criteria: Invitae Variant Classification Sherloc (09022015). Collection method: clinical testing. Allele origin: germline.
Comment: In summary, the available evidence is currently insufficient to determine the role of this variant in disease. Therefore, it has been classified as a Variant of Uncertain Significance. Advanced modeling of protein sequence and biophysical properties (such as structural, functional, and spatial information, amino acid conservation, physicochemical variation, residue mobility, and thermodynamic stability) performed at Invitae indicates that this missense variant is expected to disrupt CD40LG protein function. ClinVar contains an entry for this variant (Variation ID: 1005819). This variant has not been reported in the literature in individuals affected with CD40LG-related conditions. This variant is not present in population databases (gnomAD no frequency). This sequence change replaces tyrosine, which is neutral and polar, with asparagine, which is neutral and polar, at codon 145 of the CD40LG protein (p.Tyr145Asn).

NM_000074.3(CD40LG):c.433T>A (p.Tyr145Asn)

Gene: CD40LG (CD40 ligand; plus strand). Cytogenetic location: Xq26.3.
Variant type: single nucleotide variant.
Coding change: c.433T>A on transcript NM_000074.3 (MANE Select); coding-DNA position 433, T replaced by A.
Protein change: p.Tyr145Asn; replaces tyrosine 145 with asparagine.
Molecular consequence: missense variant.
Genome position (GRCh38, 1-based): chrX:136,659,062, T>A. VCF-style: chrX-136659062-T-A. GRCh37 (hg19) VCF-style: chrX-135741221-T-A.
Other names: short protein forms Y145N.
Identifiers: ClinVar variation 1005819 (VCV001005819.9), dbSNP rs762639528, ClinGen allele CA414755601.